The following is an entry in ClinVar:

ClinVar aggregate classification (germline): Uncertain significance (1 of 4 stars; one submission).

Conditions:
Charcot-Marie-Tooth disease type 2. Also called: Charcot-Marie-Tooth type 2. Identifiers: Orphanet 64746, MedGen C0270914, MONDO:0018993.

Submission:

Labcorp Genetics (formerly Invitae), Labcorp
Classification: Uncertain significance for Charcot-Marie-Tooth disease type 2. Last evaluated: 2020-10-20. Review status: criteria provided, single submitter. Criteria: Invitae Variant Classification Sherloc (09022015). Collection method: clinical testing. Allele origin: germline.
Comment: In summary, the available evidence is currently insufficient to determine the role of this variant in disease. Therefore, it has been classified as a Variant of Uncertain Significance. Algorithms developed to predict the effect of missense changes on protein structure and function (SIFT, PolyPhen-2, Align-GVGD) all suggest that this variant is likely to be disruptive, but these predictions have not been confirmed by published functional studies and their clinical significance is uncertain. This variant has not been reported in the literature in individuals with GARS-related conditions. This variant is not present in population databases (ExAC no frequency). This sequence change replaces aspartic acid with glycine at codon 149 of the GARS protein (p.Asp149Gly). The aspartic acid residue is highly conserved and there is a moderate physicochemical difference between aspartic acid and glycine.

NM_002047.4(GARS1):c.446A>G (p.Asp149Gly)

Gene: GARS1 (glycyl-tRNA synthetase 1; plus strand). Cytogenetic location: 7p14.3.
Variant type: single nucleotide variant.
Coding change: c.446A>G on transcript NM_002047.4 (MANE Select); coding-DNA position 446, A replaced by G.
Protein change: p.Asp149Gly; replaces aspartic acid 149 with glycine.
Molecular consequence: missense variant.
Genome position (GRCh38, 1-based): chr7:30,601,077, A>G. VCF-style: chr7-30601077-A-G. GRCh37 (hg19) VCF-style: chr7-30640693-A-G.
Other names: c.284A>G, p.Asp95Gly (NM_001316772.1); short protein forms D149G, D95G.
Identifiers: ClinVar variation 1045326 (VCV001045326.8), dbSNP rs1791365947, ClinGen allele CA367139353.
Genomic context (GRCh38, chr7:30,601,077, plus strand): 5'-AGTAACAAGGTAAAGTATGTGTTTTCCTCTCATATTCTATAGGTGTTAGTGGTCTGTATG[A>G]CTTTGGGCCAGTTGGCTGTGCTTTGAAGAACAATATTATTCAGACCTGGAGGCAGCACTT-3'
Protein context (NP_002038.2, residues 139-159): AIYGGVSGLY[Asp149Gly]FGPVGCALKN